The following is an entry in ClinVar:

ClinVar aggregate classification (germline): Uncertain significance (1 of 4 stars; one submission).

Conditions:
Ullrich congenital muscular dystrophy 2 (UCMD2). Identifiers: Orphanet 75840, MedGen C4225314, MONDO:0014654, OMIM 616470.
Bethlem myopathy 2 (BTHLM2). Identifiers: Orphanet 536516, Orphanet 610, MedGen C4225313, MONDO:0034022, OMIM 616471.

Submission:

Labcorp Genetics (formerly Invitae), Labcorp
Classification: Uncertain significance for Bethlem myopathy 2; Ullrich congenital muscular dystrophy 2. Last evaluated: 2020-02-06. Review status: criteria provided, single submitter. Criteria: Invitae Variant Classification Sherloc (09022015). Collection method: clinical testing. Allele origin: germline.
Comment: In summary, the available evidence is currently insufficient to determine the role of this variant in disease. Therefore, it has been classified as a Variant of Uncertain Significance. Algorithms developed to predict the effect of missense changes on protein structure and function are either unavailable or do not agree on the potential impact of this missense change (SIFT: "Deleterious"; PolyPhen-2: "Probably Damaging"; Align-GVGD: "Class C0"). This variant has not been reported in the literature in individuals with COL12A1-related conditions. This variant is not present in population databases (ExAC no frequency). This sequence change replaces glutamic acid with lysine at codon 2985 of the COL12A1 protein (p.Glu2985Lys). The glutamic acid residue is highly conserved and there is a small physicochemical difference between glutamic acid and lysine.

NM_004370.6(COL12A1):c.8953G>A (p.Glu2985Lys)

Gene: COL12A1 (collagen type XII alpha 1 chain; minus strand). Cytogenetic location: 6q13.
Variant type: single nucleotide variant.
Coding change: c.8953G>A on transcript NM_004370.6 (MANE Select); coding-DNA position 8953, G replaced by A.
Protein change: p.Glu2985Lys; replaces glutamic acid 2985 with lysine.
Molecular consequence: missense variant.
Genome position (GRCh38, 1-based): chr6:75,089,163, C>T on the plus strand (G>A on the coding strand, the complement: COL12A1 is on the minus strand). VCF-style: chr6-75089163-C-T. GRCh37 (hg19) VCF-style: chr6-75798879-C-T.
Other names: c.5461G>A, p.Glu1821Lys (NM_080645.3); short protein forms E2985K, E1821K.
Identifiers: ClinVar variation 852469 (VCV000852469.11), dbSNP rs1767642101, ClinGen allele CA364733518.